The following is an entry in ClinVar:

NM_004104.5(FASN):c.5341G>A (p.Gly1781Ser)

Gene: FASN (fatty acid synthase; minus strand). Cytogenetic location: 17q25.3.
Variant type: single nucleotide variant.
Coding change: c.5341G>A on transcript NM_004104.5 (MANE Select); coding-DNA position 5341, G replaced by A.
Protein change: p.Gly1781Ser; replaces glycine 1781 with serine.
Molecular consequence: missense variant.
Genome position (GRCh38, 1-based): chr17:82,083,517, C>T on the plus strand (G>A on the coding strand, the complement: FASN is on the minus strand). VCF-style: chr17-82083517-C-T. GRCh37 (hg19) VCF-style: chr17-80041393-C-T.
Other names: short protein forms G1781S.
Identifiers: ClinVar variation 462071 (VCV000462071.11), dbSNP rs373722639, ClinGen allele CA8851740.

ClinVar aggregate classification (germline): Uncertain significance (1 of 4 stars; one submission).

Conditions:
Epileptic encephalopathy. Identifiers: MedGen C0543888, HP:0200134.

Allele frequency attached by ClinVar (database versions not stated): gnomAD 0.00001; gnomAD exomes 0.00001 and 0.00002; TOPMed 0.00001; ExAC 0.00002; ESP Exome Variant Server 0.00008; 1000 Genomes Project 0.00020; 1000 Genomes Project 30x 0.00031.
gnomAD v4.1: 8 of 1,612,802 alleles (0.0005%); highest among the groups gnomAD compares: Admixed American, 0.0033%; no homozygotes.

Submissions (2):

Labcorp Genetics (formerly Invitae), Labcorp
Classification: Uncertain significance for Epileptic encephalopathy. Last evaluated: 2025-08-21. Review status: criteria provided, single submitter. Criteria: Invitae Variant Classification Sherloc (09022015). Collection method: clinical testing. Allele origin: germline.
Comment: This sequence change replaces glycine, which is neutral and non-polar, with serine, which is neutral and polar, at codon 1781 of the FASN protein (p.Gly1781Ser). This variant also falls at the last nucleotide of exon 31, which is part of the consensus splice site for this exon. This variant is present in population databases (rs373722639, gnomAD 0.01%). This variant has not been reported in the literature in individuals affected with FASN-related conditions. ClinVar contains an entry for this variant (Variation ID: 462071). An algorithm developed to predict the effect of missense changes on protein structure and function (PolyPhen-2) suggests that this variant is likely to be disruptive. Variants that disrupt the consensus splice site are a relatively common cause of aberrant splicing (PMID: 17576681, 9536098). Algorithms developed to predict the effect of sequence changes on RNA splicing suggest that this variant may disrupt the consensus splice site. In summary, the available evidence is currently insufficient to determine the role of this variant in disease. Therefore, it has been classified as a Variant of Uncertain Significance.

Dr. Peter K. Rogan Lab, Western University
No classification provided (evidence only). Condition: Ovarian serous cystadenocarcinoma. Review status: no classification provided. Collection method: in vitro. Allele origin: not applicable. Functional consequence: retained intron. Not counted in ClinVar's aggregate classification.

Literature cited by the submitters: PubMed 17576681 (cited by Labcorp Genetics (formerly Invitae), Labcorp); PubMed 9536098 (cited by Labcorp Genetics (formerly Invitae), Labcorp).